The following is an entry in ClinVar:

NM_016529.6(ATP8A2):c.1170_1174delinsAAGTATACTCAAGTATACTCAAGTATACTCAAGTATACTCAAGTATAC (p.Leu391fs)

Gene: ATP8A2 (ATPase phospholipid transporting 8A2). Cytogenetic location: 13q12.13.
Variant type: Indel.
Coding change: c.1170_1174delinsAAGTATACTCAAGTATACTCAAGTATACTCAAGTATACTCAAGTATAC on transcript NM_016529.6 (MANE Select); coding-DNA positions 1170 to 1174, the reference bases replaced by an inserted sequence.
Protein change: p.Leu391fs; shifts the reading frame from leucine 391.
Molecular consequence: frameshift variant.
Genome position: GRCh38: chr13:25,553,905-25,553,909. GRCh37 (hg19): chr13:26,128,043-26,128,047.
Other names: c.1050_1054delinsAAGTATACTCAAGTATACTCAAGTATACTCAAGTATACTCAAGTATAC, p.Leu351fs (NM_001313741.1); c.1170_1174delinsAAGTATACTCAAGTATACTCAAGTATACTCAAGTATACTCAAGTATAC, p.Leu391fs (NM_001411005.1, NM_001411006.1); short protein forms L351fs, L391fs.
Identifiers: ClinVar variation 2504567 (VCV002504567.1), dbSNP rs2542363272, ClinGen allele CA2580614635.

ClinVar aggregate classification (germline): Pathogenic (1 of 4 stars; one submission).

Submission:

GeneDx
Classification: Pathogenic. Last evaluated: 2023-05-23. Review status: criteria provided, single submitter. Criteria: GeneDx Variant Classification Process June 2021. Collection method: clinical testing. Allele origin: germline. Affected: yes.
Comment: Frameshift variant predicted to result in protein truncation or nonsense mediated decay in a gene for which loss-of-function is a known mechanism of disease; Not observed in large population cohorts (gnomAD); Has not been previously published as pathogenic or benign to our knowledge